The following is an entry in ClinVar:

NM_000368.5(TSC1):c.368A>C (p.Asp123Ala)

Gene: TSC1 (TSC complex subunit 1; minus strand). Cytogenetic location: 9q34.13.
Variant type: single nucleotide variant.
Coding change: c.368A>C on transcript NM_000368.5 (MANE Select); coding-DNA position 368, A replaced by C.
Protein change: p.Asp123Ala; replaces aspartic acid 123 with alanine.
Molecular consequence: missense variant.
Genome position (GRCh38, 1-based): chr9:132,923,488, T>G on the plus strand (A>C on the coding strand, the complement: TSC1 is on the minus strand). VCF-style: chr9-132923488-T-G. GRCh37 (hg19) VCF-style: chr9-135798875-T-G.
Other names: c.368A>C, p.Asp123Ala (NM_001162426.2); c.215A>C, p.Asp72Ala (NM_001162427.2); c.5A>C, p.Asp2Ala (NM_001362177.2); short protein forms D123A, D2A, D72A.
Identifiers: ClinVar variation 824072 (VCV000824072.5), dbSNP rs1588351019, ClinGen allele CA375373750.

ClinVar aggregate classification (germline): Uncertain significance (1 of 4 stars; one submission).

Conditions:
Hereditary cancer-predisposing syndrome. Also called: Tumor predisposition; Hereditary neoplastic syndrome; Neoplastic Syndromes, Hereditary; Hereditary Cancer Syndrome. Identifiers: Orphanet 140162, MedGen C0027672, MeSH D009386, MONDO:0015356.

Submission:

Ambry Genetics
Classification: Uncertain significance for Hereditary cancer-predisposing syndrome. Last evaluated: 2026-08-11. Review status: criteria provided, single submitter. Criteria: Ambry Variant Classification Scheme 2023. Collection method: clinical testing. Allele origin: germline.
Comment: The p.D123A variant (also known as c.368A>C), located in coding exon 4 of the TSC1 gene, results from an A to C substitution at nucleotide position 368. The aspartic acid at codon 123 is replaced by alanine, an amino acid with dissimilar properties. This amino acid position is highly conserved in available vertebrate species. In addition, this alteration is predicted to be deleterious by in silico analysis. Since supporting evidence is limited at this time, the clinical significance of this alteration remains unclear.